The following is an entry in ClinVar:

ClinVar aggregate classification (germline): Uncertain significance (1 of 4 stars; one submission).

Conditions:
Primary ciliary dyskinesia. Also called: Ciliary dyskinesia. Identifiers: Orphanet 244, MedGen C0008780, MONDO:0016575, HP:0012265.

Submission:

Labcorp Genetics (formerly Invitae), Labcorp
Classification: Uncertain significance for Primary ciliary dyskinesia. Last evaluated: 2022-07-08. Review status: criteria provided, single submitter. Criteria: Invitae Variant Classification Sherloc (09022015). Collection method: clinical testing. Allele origin: germline.
Comment: This sequence change falls in intron 19 of the DNAH8 gene. It does not directly change the encoded amino acid sequence of the DNAH8 protein. This variant is not present in population databases (gnomAD no frequency). This variant has not been reported in the literature in individuals affected with DNAH8-related conditions. Algorithms developed to predict the effect of sequence changes on RNA splicing suggest that this variant may create or strengthen a splice site. In summary, the available evidence is currently insufficient to determine the role of this variant in disease. Therefore, it has been classified as a Variant of Uncertain Significance.

NM_001206927.2(DNAH8):c.2664+7A>T

Gene: DNAH8 (dynein axonemal heavy chain 8; plus strand). Cytogenetic location: 6p21.2.
Variant type: single nucleotide variant.
Coding change: c.2664+7A>T on transcript NM_001206927.2 (MANE Select); 7 bases into the intron after coding-DNA position 2664, A replaced by T.
Molecular consequence: intron variant.
Genome position (GRCh38, 1-based): chr6:38,789,890, A>T. VCF-style: chr6-38789890-A-T. GRCh37 (hg19) VCF-style: chr6-38757666-A-T.
Other names: c.2013+7A>T (NM_001371.4).
Identifiers: ClinVar variation 1972700 (VCV001972700.5), dbSNP rs1321780574, ClinGen allele CA2580074459.
Genomic context (GRCh38, chr6:38,789,890, plus strand): 5'-TGTCAGGAAGTGCCTTCTGTGTTTGTCAATCTGATGACCCCAAAAATGAAAAAGGTTGGT[A>T]TTGCTGAAGGTTTGTATTGATTTTCCTGTTATTTAAAATTAGATTTCGGTTCTATAAACT-3'